The following is an entry in ClinVar:

ClinVar aggregate classification (germline): Likely pathogenic (1 of 4 stars; one submission).

Submission:

GeneDx
Classification: Likely pathogenic. Last evaluated: 2025-07-20. Review status: criteria provided, single submitter. Criteria: GeneDx Variant Classification Process June 2021. Collection method: clinical testing. Allele origin: germline. Affected: yes.
Comment: Not observed at significant frequency in large population cohorts (gnomAD); In silico analysis supports that this missense variant has a deleterious effect on protein structure/function; Missense variant in a gene in which most reported pathogenic variants are truncating/loss of function; Has not been previously published as pathogenic or benign to our knowledge

NM_004484.4(GPC3):c.755G>C (p.Cys252Ser)

Gene: GPC3 (glypican 3; minus strand). Cytogenetic location: Xq26.2.
Variant type: single nucleotide variant.
Coding change: c.755G>C on transcript NM_004484.4 (MANE Select); coding-DNA position 755, G replaced by C.
Protein change: p.Cys252Ser; replaces cysteine 252 with serine.
Molecular consequence: missense variant.
Genome position (GRCh38, 1-based): chrX:133,753,759, C>G on the plus strand (G>C on the coding strand, the complement: GPC3 is on the minus strand). VCF-style: chrX-133753759-C-G. GRCh37 (hg19) VCF-style: chrX-132887786-C-G.
Other names: c.755G>C, p.Cys252Ser (NM_001164617.2); c.707G>C, p.Cys236Ser (NM_001164618.2); c.593G>C, p.Cys198Ser (NM_001164619.2); short protein forms C198S, C236S, C252S.
Identifiers: ClinVar variation 1306362 (VCV001306362.3), dbSNP rs2071694353, ClinGen allele CA414705924.